The following is an entry in ClinVar:

NM_005527.4(HSPA1L):c.1705_1709del (p.Asp568_Lys569insTer)

Gene: HSPA1L (heat shock protein family A (Hsp70) member 1 like; minus strand). Cytogenetic location: 6p21.33.
Variant type: Deletion.
Coding change: c.1705_1709del on transcript NM_005527.4 (MANE Select); coding-DNA positions 1705 to 1709, 5 bases deleted (AAAAA; older notation c.1705_1709delAAAAA).
Protein change: p.Asp568_Lys569insTer.
Molecular consequence: nonsense.
Genome position (GRCh38, 1-based): chr6:31,810,264-31,810,268, TTTTT deleted on the plus strand (AAAAA on the coding strand, the reverse complement: HSPA1L is on the minus strand). VCF-style (leftmost placement, unchanged base first): chr6-31810263-ATTTTT-A. GRCh37 (hg19) VCF-style: chr6-31778040-ATTTTT-A.
Other names: c.1705_1709del (NM_005527.3); c.1705_1709del5 (NM_005527.3).
Identifiers: ClinVar variation 722186 (VCV000722186.6), dbSNP rs567637853, ClinGen allele CA3723855.

ClinVar aggregate classification (germline): Likely benign. Review status: criteria provided, single submitter (1 of 4 stars). 2 submissions from 2 submitters: Likely benign (1). 1 of the submissions does not count toward it. Last evaluated 2019-12-31.

Conditions:
HSPA1L-related disorder. Also called: HSPA1L-related condition.

Allele frequency attached by ClinVar (database versions not stated): 1000 Genomes Project 0.00060; TOPMed below 0.00001; gnomAD 0.00011 and below 0.00001; gnomAD exomes 0.00012 and 0.00034; ExAC 0.00034.

Submissions (2):

Labcorp Genetics (formerly Invitae), Labcorp
Classification: Likely benign. Last evaluated: 2019-12-31. Review status: criteria provided, single submitter. Criteria: Invitae Variant Classification Sherloc (09022015). Collection method: clinical testing. Allele origin: germline.

PreventionGenetics, part of Exact Sciences
Classification: Likely benign for HSPA1L-related condition. Last evaluated: 2020-10-06. Review status: no assertion criteria provided. Collection method: clinical testing. Allele origin: germline. Not counted in ClinVar's aggregate classification.
Comment: This variant is classified as likely benign based on ACMG/AMP sequence variant interpretation guidelines (Richards et al. 2015 PMID: 25741868, with internal and published modifications).